The following is an entry in ClinVar:

NM_002160.4(TNC):c.3343G>A (p.Glu1115Lys)

Gene: TNC (tenascin C; minus strand). Cytogenetic location: 9q33.1.
Variant type: single nucleotide variant.
Coding change: c.3343G>A on transcript NM_002160.4 (MANE Select); coding-DNA position 3343, G replaced by A.
Protein change: p.Glu1115Lys; replaces glutamic acid 1115 with lysine.
Molecular consequence: missense variant. On other transcripts: intron variant (7).
Genome position (GRCh38, 1-based): chr9:115,064,791, C>T on the plus strand (G>A on the coding strand, the complement: TNC is on the minus strand). VCF-style: chr9-115064791-C-T. GRCh37 (hg19) VCF-style: chr9-117827070-C-T.
Other names: c.3343G>A, p.Glu1115Lys (NM_001410991.1, NM_001439065.1, NM_001439066.1 and 28 more transcripts); c.3214+8812G>A (NM_001439099.1, NM_001439096.1, NM_001439100.1 and 1 more transcripts); c.3215-7366G>A (NM_001439098.1, NM_001439094.1, NM_001439090.1); short protein forms E1115K.
Identifiers: ClinVar variation 4187752 (VCV004187752.2).

ClinVar aggregate classification (germline): Uncertain significance. Review status: criteria provided, multiple submitters, no conflicts (2 of 4 stars). 2 submissions from 2 submitters: Uncertain significance (2). Last evaluated 2025-08-01.

Conditions:
TNC-related disorder. Also called: TNC-related condition.

gnomAD v4.1: 55 of 1,614,016 alleles (0.0034%); highest among the groups gnomAD compares: Non-Finnish European, 0.0045%; no homozygotes.

Submissions (2):

Ambry Genetics
Classification: Uncertain significance. Last evaluated: 2025-08-01. Review status: criteria provided, single submitter. Criteria: Ambry Variant Classification Scheme 2023. Collection method: clinical testing. Allele origin: germline.

PreventionGenetics, part of Exact Sciences
Classification: Uncertain significance for TNC-related condition. Last evaluated: 2025-07-23. Review status: criteria provided, single submitter. Criteria: ACMG Guidelines, 2015. Collection method: clinical testing. Allele origin: germline.
Comment: The TNC c.3343G>A variant is predicted to result in the amino acid substitution p.Glu1115Lys. To our knowledge, this variant has not been reported in the literature. This variant is reported in 0.0062% of alleles in individuals of African descent in gnomAD. At this time, the clinical significance of this variant is uncertain due to the absence of conclusive functional and genetic evidence.